The following is an entry in ClinVar:

NM_000143.4(FH):c.68C>T (p.Ala23Val)

Gene: FH (fumarate hydratase; minus strand). Cytogenetic location: 1q43.
Variant type: single nucleotide variant.
Coding change: c.68C>T on transcript NM_000143.4 (MANE Select); coding-DNA position 68, C replaced by T.
Protein change: p.Ala23Val; replaces alanine 23 with valine.
Molecular consequence: missense variant.
Genome position (GRCh38, 1-based): chr1:241,519,655, G>A on the plus strand (C>T on the coding strand, the complement: FH is on the minus strand). VCF-style: chr1-241519655-G-A. GRCh37 (hg19) VCF-style: chr1-241682955-G-A.
Other names: c.68C>T (NM_000143.3); short protein forms A23V.
Identifiers: ClinVar variation 1406128 (VCV001406128.10), dbSNP rs2147926968, ClinGen allele CA345442837.

ClinVar aggregate classification (germline): Uncertain significance. Review status: criteria provided, multiple submitters, no conflicts (2 of 4 stars). 2 submissions from 2 submitters: Uncertain significance (2). Last evaluated 2022-12-27.

Conditions:
Hereditary cancer-predisposing syndrome. Also called: Hereditary neoplastic syndrome; Hereditary Cancer Syndrome; Neoplastic Syndromes, Hereditary; Tumor predisposition. Identifiers: Orphanet 140162, MedGen C0027672, MeSH D009386, MONDO:0015356.

Submissions (2):

Ambry Genetics
Classification: Uncertain significance for Hereditary cancer-predisposing syndrome. Last evaluated: 2022-12-27. Review status: criteria provided, single submitter. Criteria: Ambry Variant Classification Scheme 2023. Collection method: clinical testing. Allele origin: germline.
Comment: The p.A23V variant (also known as c.68C>T), located in coding exon 1 of the FH gene, results from a C to T substitution at nucleotide position 68. The alanine at codon 23 is replaced by valine, an amino acid with similar properties. This amino acid position is highly conserved in available vertebrate species. In addition, this alteration is predicted to be tolerated by in silico analysis. Since supporting evidence is limited at this time, the clinical significance of this alteration remains unclear.

Labcorp Genetics (formerly Invitae), Labcorp
Classification: Uncertain significance. Last evaluated: 2021-01-30. Review status: criteria provided, single submitter. Criteria: Invitae Variant Classification Sherloc (09022015). Collection method: clinical testing. Allele origin: germline.
Comment: In summary, the available evidence is currently insufficient to determine the role of this variant in disease. Therefore, it has been classified as a Variant of Uncertain Significance. Advanced modeling of protein sequence and biophysical properties (such as structural, functional, and spatial information, amino acid conservation, physicochemical variation, residue mobility, and thermodynamic stability) performed at Invitae indicates that this missense variant is not expected to disrupt FH protein function. This variant has not been reported in the literature in individuals with FH-related conditions. This variant is not present in population databases (ExAC no frequency). This sequence change replaces alanine with valine at codon 23 of the FH protein (p.Ala23Val). The alanine residue is weakly conserved and there is a small physicochemical difference between alanine and valine.